The following is an entry in ClinVar:

ClinVar aggregate classification (germline): Uncertain significance (1 of 4 stars; one submission).

Allele frequency attached by ClinVar (database versions not stated): ExAC 0.00001.
gnomAD v4.1: 1 of 1,613,854 alleles (0.000062%); highest among the groups gnomAD compares: Non-Finnish European, 0.000085%; no homozygotes.

Submission:

Labcorp Genetics (formerly Invitae), Labcorp
Classification: Uncertain significance. Last evaluated: 2022-04-21. Review status: criteria provided, single submitter. Criteria: Invitae Variant Classification Sherloc (09022015). Collection method: clinical testing. Allele origin: germline.
Comment: This sequence change replaces asparagine, which is neutral and polar, with isoleucine, which is neutral and non-polar, at codon 386 of the XPC protein (p.Asn386Ile). This variant is present in population databases (rs772584384, gnomAD 0.0009%). This variant has not been reported in the literature in individuals affected with XPC-related conditions. Algorithms developed to predict the effect of missense changes on protein structure and function are either unavailable or do not agree on the potential impact of this missense change (SIFT: "Not Available"; PolyPhen-2: "Benign"; Align-GVGD: "Not Available"). In summary, the available evidence is currently insufficient to determine the role of this variant in disease. Therefore, it has been classified as a Variant of Uncertain Significance.

NM_004628.5(XPC):c.1157A>T (p.Asn386Ile)

Gene: XPC (XPC complex subunit, DNA damage recognition and repair factor; minus strand). Cytogenetic location: 3p25.1.
Variant type: single nucleotide variant.
Coding change: c.1157A>T on transcript NM_004628.5 (MANE Select); coding-DNA position 1157, A replaced by T.
Protein change: p.Asn386Ile; replaces asparagine 386 with isoleucine.
Molecular consequence: missense variant. On other transcripts: non-coding transcript variant (2).
Genome position (GRCh38, 1-based): chr3:14,158,726, T>A on the plus strand (A>T on the coding strand, the complement: XPC is on the minus strand). VCF-style: chr3-14158726-T-A. GRCh37 (hg19) VCF-style: chr3-14200226-T-A.
Other names: c.578A>T, p.Asn193Ile (NM_001354726.2); c.1157A>T, p.Asn386Ile (NM_001354727.2, NM_001354730.2); c.1139A>T, p.Asn380Ile (NM_001354729.2); short protein forms N386I, N380I, N193I.
Identifiers: ClinVar variation 2193199 (VCV002193199.1), dbSNP rs772584384, ClinGen allele CA2267497.